The following is an entry in ClinVar:

NM_001308093.3(GATA4):c.165G>C (p.Gln55His)

Gene: GATA4 (GATA binding protein 4). Cytogenetic location: 8p23.1.
Variant type: single nucleotide variant.
Coding change: c.165G>C on transcript NM_001308093.3 (MANE Select); coding-DNA position 165, G replaced by C.
Protein change: p.Gln55His; replaces glutamine 55 with histidine.
Molecular consequence: missense variant. On other transcripts: intron variant (3).
Genome position (GRCh38, 1-based): chr8:11,708,477, G>C. VCF-style: chr8-11708477-G-C. GRCh37 (hg19) VCF-style: chr8-11565986-G-C.
Other names: c.165G>C, p.Gln55His (NM_002052.5); c.-6+7699G>C (NM_001308094.2); c.-3+463G>C (NM_001374274.1); c.-3+4173G>C (NM_001374273.1); short protein forms Q55H.
Identifiers: ClinVar variation 4805897 (VCV004805897.1).

ClinVar aggregate classification (germline): Uncertain significance (1 of 4 stars; one submission).

Conditions:
Atrioventricular septal defect 4 (AVSD4). Identifiers: MedGen C3280781, MONDO:0013747, OMIM 614430.

Submission:

Labcorp Genetics (formerly Invitae), Labcorp
Classification: Uncertain significance for Atrioventricular septal defect 4. Last evaluated: 2025-09-27. Review status: criteria provided, single submitter. Criteria: Invitae Variant Classification Sherloc (09022015). Collection method: clinical testing. Allele origin: germline.
Comment: This sequence change replaces glutamine, which is neutral and polar, with histidine, which is basic and polar, at codon 55 of the GATA4 protein (p.Gln55His). This variant is not present in population databases (gnomAD no frequency). This variant has not been reported in the literature in individuals affected with GATA4-related conditions. Invitae Evidence Modeling of protein sequence and biophysical properties (such as structural, functional, and spatial information, amino acid conservation, physicochemical variation, residue mobility, and thermodynamic stability) has been performed for this missense variant. However, the output from this modeling did not meet the statistical confidence thresholds required to predict the impact of this variant on GATA4 protein function. In summary, the available evidence is currently insufficient to determine the role of this variant in disease. Therefore, it has been classified as a Variant of Uncertain Significance.